The following is an entry in ClinVar:

ClinVar aggregate classification (germline): Conflicting classifications of pathogenicity. Review status: criteria provided, conflicting classifications (1 of 4 stars). 3 submissions from 3 submitters: Pathogenic (1); Likely pathogenic (1); Uncertain significance (1). Last evaluated 2026-01-24.

Conditions:
COACH syndrome 1. Identifiers: Orphanet 1454, MedGen C5435651, MONDO:0800103, OMIM 216360, MONDO:0008996.
Meckel syndrome, type 3 (MKS3). Also called: MECKEL-GRUBER SYNDROME, TYPE 3. Identifiers: Orphanet 564, MedGen C1846357, MONDO:0011821, OMIM 607361.
Nephronophthisis 11 (NPHP11). Identifiers: Orphanet 84081, MedGen C3150796, MONDO:0013302, OMIM 613550.
RHYNS syndrome. Also called: RETINITIS PIGMENTOSA SYNDROME; RETINITIS PIGMENTOSA, HYPOPITUITARISM, NEPHRONOPHTHISIS, AND MILD SKELETAL DYSPLASIA. Identifiers: Orphanet 140976, MedGen C1865794, MONDO:0011202, OMIM 602152.
Joubert syndrome 6 (JBTS6). Identifiers: Orphanet 475, MedGen C1853153, MONDO:0012539, OMIM 610688.
Bardet-Biedl syndrome 14 (BBS14). Identifiers: Orphanet 110, MedGen C2673874, MONDO:0014442, OMIM 615991.
Meckel-Gruber syndrome. Also called: DYSENCEPHALIA SPLANCHNOCYSTICA; Dysencephalia splachnocystica; GRUBER SYNDROME. Identifiers: Orphanet 564, MedGen C0265215, MONDO:0018921.
Joubert syndrome. Also called: Familial aplasia of the vermis; JOUBERT-BOLTSHAUSER SYNDROME. Identifiers: Orphanet 475, MedGen C5979921, MONDO:0018772.

Allele frequency attached by ClinVar (database versions not stated): gnomAD exomes 0.00003 and 0.00001; gnomAD 0.00001; TOPMed 0.00001.
gnomAD v4.1: 13 of 1,599,926 alleles (0.00081%); highest among the groups gnomAD compares: East Asian, 0.027%; no homozygotes.

Submissions (3):

Labcorp Genetics (formerly Invitae), Labcorp
Classification: Pathogenic for Joubert syndrome; Meckel-Gruber syndrome. Last evaluated: 2026-01-24. Review status: criteria provided, single submitter. Criteria: Invitae Variant Classification Sherloc (09022015). Collection method: clinical testing. Allele origin: germline.
Comment: This sequence change replaces proline, which is neutral and non-polar, with arginine, which is basic and polar, at codon 392 of the TMEM67 protein (p.Pro392Arg). This variant is present in population databases (no rsID available, gnomAD 0.04%). This missense change has been observed in individual(s) with clinical features of TMEM67-related conditions (PMID: 34675960). It has also been observed to segregate with disease in related individuals. ClinVar contains an entry for this variant (Variation ID: 1349780). Invitae Evidence Modeling of protein sequence and biophysical properties (such as structural, functional, and spatial information, amino acid conservation, physicochemical variation, residue mobility, and thermodynamic stability) indicates that this missense variant is expected to disrupt TMEM67 protein function with a positive predictive value of 95%. For these reasons, this variant has been classified as Pathogenic.

Fulgent Genetics
Classification: Uncertain significance for COACH syndrome 1; RHYNS syndrome; Meckel syndrome, type 3; Joubert syndrome 6; Nephronophthisis 11; Bardet-Biedl syndrome 14. Last evaluated: 2022-05-24. Review status: criteria provided, single submitter. Criteria: ACMG Guidelines, 2015. Collection method: clinical testing. Allele origin: unknown.

Juno Genomics, Hangzhou Juno Genomics, Inc
Classification: Likely pathogenic for RHYNS syndrome; Bardet-Biedl syndrome 14; COACH syndrome 1; Joubert syndrome 6; Meckel syndrome, type 3; Nephronophthisis 11. Review status: criteria provided, single submitter. Criteria: ACMG Guidelines, 2015. Collection method: clinical testing. Allele origin: germline.
Comment: Absent from controls (or at extremely low frequency if recessive) in Genome Aggregation Database.;Multiple lines of computational evidence support a deleterious effect on the gene or gene product.;For recessive disorders, detected in trans with a pathogenic variant.;Patient's phenotype or family history is highly specific for a disease with a single genetic etiology.;Co-segregation with disease in multiple affected family members.

Literature cited by the submitters: PubMed 34675960 (cited by Labcorp Genetics (formerly Invitae), Labcorp).

NM_153704.6(TMEM67):c.1175C>G (p.Pro392Arg)

Gene: TMEM67 (transmembrane protein 67; plus strand). Cytogenetic location: 8q22.1.
Variant type: single nucleotide variant.
Coding change: c.1175C>G on transcript NM_153704.6 (MANE Select); coding-DNA position 1175, C replaced by G.
Protein change: p.Pro392Arg; replaces proline 392 with arginine.
Molecular consequence: missense variant. On other transcripts: non-coding transcript variant (1).
Genome position (GRCh38, 1-based): chr8:93,785,265, C>G. VCF-style: chr8-93785265-C-G. GRCh37 (hg19) VCF-style: chr8-94797493-C-G.
Other names: c.932C>G, p.Pro311Arg (NM_001142301.1); short protein forms P392R, P311R.
Identifiers: ClinVar variation 1349780 (VCV001349780.11), dbSNP rs1455416289, ClinGen allele CA371689282.